The following is an entry in ClinVar:

NM_001134831.2(AHI1):c.1686T>C (p.His562=)

Gene: AHI1 (Abelson helper integration site 1; minus strand). Cytogenetic location: 6q23.3.
Variant type: single nucleotide variant.
Coding change: c.1686T>C on transcript NM_001134831.2 (MANE Select); coding-DNA position 1686, T replaced by C.
Protein change: p.His562=; no amino-acid change (histidine 562 retained).
Molecular consequence: synonymous variant.
Genome position (GRCh38, 1-based): chr6:135,447,101, A>G on the plus strand (T>C on the coding strand, the complement: AHI1 is on the minus strand). VCF-style: chr6-135447101-A-G. GRCh37 (hg19) VCF-style: chr6-135768239-A-G.
Other names: c.1686T>C, p.His562= (NM_001134830.2, NM_001134832.2, NM_001350503.2 and 2 more transcripts); c.1686T>C (NM_017651.4).
Identifiers: ClinVar variation 2067796 (VCV002067796.30), dbSNP rs199525548, ClinGen allele CA4012544.
Genomic context (GRCh38, chr6:135,447,101, plus strand): 5'-CTTTGACTCTTCTAATCCAGGTTCTGTGTCTACTGAGCTTGACTCATGGTGACGTTCACA[A>G]TGCACTGGTTTACCTTTTTCCTCCTGAAGAGCCATCATAGAGCGGTAAGATGGCTTTATC-3'
Protein context (NP_001128303.1, residues 552-572): ALQEEKGKPV[His562=]CERHHESSSV

ClinVar aggregate classification (germline): Likely benign. Review status: criteria provided, multiple submitters, no conflicts (2 of 4 stars). 4 submissions from 4 submitters: Likely benign (3). 1 of the submissions does not count toward it. Last evaluated 2026-01-26.

Conditions:
Joubert syndrome. Also called: Familial aplasia of the vermis; JOUBERT-BOLTSHAUSER SYNDROME. Identifiers: Orphanet 475, MedGen C5979921, MONDO:0018772.
AHI1-related disorder. Also called: AHI1-related condition.

Allele frequency attached by ClinVar (database versions not stated): gnomAD exomes 0.00002; gnomAD 0.00005; TOPMed 0.00005; ExAC 0.00013; 1000 Genomes Project 30x 0.00031; 1000 Genomes Project 0.00060.
gnomAD v4.1: 41 of 1,612,760 alleles (0.0025%); highest among the groups gnomAD compares: East Asian, 0.08%; no homozygotes.

Submissions (4):

Labcorp Genetics (formerly Invitae), Labcorp
Classification: Likely benign for Joubert syndrome. Last evaluated: 2026-01-26. Review status: criteria provided, single submitter. Criteria: Invitae Variant Classification Sherloc (09022015). Collection method: clinical testing. Allele origin: germline.

CeGaT Center for Human Genetics Tuebingen
Classification: Likely benign. Last evaluated: 2023-04-01. Review status: criteria provided, single submitter. Criteria: CeGaT Center For Human Genetics Tuebingen Variant Classification Criteria Version 2. Collection method: clinical testing. Allele origin: germline. Affected: yes. Observed: 1 variant allele.
Comment: AHI1: BP4, BP7

Blueprint Genetics
Classification: Likely benign. Last evaluated: 2021-11-19. Review status: criteria provided, single submitter. Criteria: ACMG Guidelines, 2015. Collection method: clinical testing. Allele origin: germline.

PreventionGenetics, part of Exact Sciences
Classification: Likely benign for AHI1-related condition. Last evaluated: 2019-04-12. Review status: no assertion criteria provided. Collection method: clinical testing. Allele origin: germline. Not counted in ClinVar's aggregate classification.
Comment: This variant is classified as likely benign based on ACMG/AMP sequence variant interpretation guidelines (Richards et al. 2015 PMID: 25741868, with internal and published modifications).